The following is an entry in ClinVar:

ClinVar aggregate classification (germline): Uncertain significance. Review status: criteria provided, multiple submitters, no conflicts (2 of 4 stars). 3 submissions from 3 submitters: Uncertain significance (2). 1 of the submissions does not count toward it. Last evaluated 2023-08-23.

Conditions:
Familial thoracic aortic aneurysm and aortic dissection (TAAD). Also called: Thoracic aortic aneurysms and dissections. Identifiers: Orphanet 91387, MedGen C4707243, MONDO:0019625.
Marfan syndrome (MFS). Also called: Marfan syndrome type 1; Marfan syndrome, classic; Marfan's syndrome; FBN1-Related Marfan Syndrome; MARFAN SYNDROME, TYPE I. Identifiers: Orphanet 284963, Orphanet 558, MedGen C0024796, MONDO:0007947, OMIM 154700.

Allele frequency attached by ClinVar (database versions not stated): gnomAD exomes 0.00002 and 0.00006; gnomAD 0.00003; ExAC 0.00012.
gnomAD v4.1: 42 of 1,613,314 alleles (0.0026%); highest among the groups gnomAD compares: Non-Finnish European, 0.0026%; no homozygotes.

Submissions (3):

All of Us Research Program, National Institutes of Health
Classification: Uncertain significance for Marfan syndrome. Last evaluated: 2023-08-23. Review status: criteria provided, single submitter. Criteria: ACMG Guidelines, 2015. Collection method: clinical testing. Allele origin: germline. Inheritance: Autosomal dominant inheritance. Observed: 2 variant alleles, 2 heterozygotes.
Comment: This missense variant replaces aspartic acid with valine at codon 2015 of the FBN1 protein. Computational prediction suggests that this variant may have deleterious impact on protein structure and function (internally defined REVEL score threshold >= 0.7, PMID: 27666373). This variant alters a conserved aspartic acid residue in the calcium-binding consensus sequence (PMID: 31227806). To our knowledge, functional studies have not been reported for this variant. This variant has not been reported in individuals affected with cardiovascular disorders in the literature. This variant has been identified in 15/281722 chromosomes in the general population by the Genome Aggregation Database (gnomAD). The available evidence is insufficient to determine the role of this variant in disease conclusively. Therefore, this variant is classified as a Variant of Uncertain Significance.

This study involves interpretation of variants in research participants for the purpose of population health screening. Participant phenotype was not available at the time of variant classification. Additional details can be found in publication PMID: 35346344, PMCID: PMC8962531

Color Diagnostics, LLC DBA Color Health
Classification: Uncertain significance for Familial thoracic aortic aneurysm and aortic dissection. Last evaluated: 2023-08-09. Review status: criteria provided, single submitter. Criteria: ACMG Guidelines, 2015. Collection method: clinical testing. Allele origin: germline.
Comment: This missense variant replaces aspartic acid with valine at codon 2015 of the FBN1 protein. Computational prediction suggests that this variant may have deleterious impact on protein structure and function (internally defined REVEL score threshold >= 0.7, PMID: 27666373). This variant alters a conserved aspartic acid residue in the calcium-binding consensus sequence (PMID: 31227806). To our knowledge, functional studies have not been reported for this variant. This variant has not been reported in individuals affected with FBN1-related disorders in the literature. This variant has been identified in 15/281722 chromosomes in the general population by the Genome Aggregation Database (gnomAD). The available evidence is insufficient to determine the role of this variant in disease conclusively. Therefore, this variant is classified as a Variant of Uncertain Significance.

Center for Medical Genetics Ghent, University of Ghent
Classification: Uncertain significance for Marfan syndrome. Last evaluated: 2017-11-07. Review status: no assertion criteria provided. Collection method: clinical testing. Allele origin: germline. Affected: yes. Not counted in ClinVar's aggregate classification.

Literature cited by the submitters: PubMed 31227806 (cited by All of Us Research Program, National Institutes of Health and Color Diagnostics, LLC DBA Color Health).

NM_000138.5(FBN1):c.6044A>T (p.Asp2015Val)

Gene: FBN1 (fibrillin 1; minus strand). Cytogenetic location: 15q21.1.
Variant type: single nucleotide variant.
Coding change: c.6044A>T on transcript NM_000138.5 (MANE Select); coding-DNA position 6044, A replaced by T.
Protein change: p.Asp2015Val; replaces aspartic acid 2015 with valine.
Molecular consequence: missense variant.
Genome position (GRCh38, 1-based): chr15:48,441,840, T>A on the plus strand (A>T on the coding strand, the complement: FBN1 is on the minus strand). VCF-style: chr15-48441840-T-A. GRCh37 (hg19) VCF-style: chr15-48734037-T-A.
Other names: short protein forms D2015V.
Identifiers: ClinVar variation 549328 (VCV000549328.7), dbSNP rs746719632, ClinGen allele CA056170.